The following is an entry in ClinVar:

ClinVar aggregate classification (germline): Uncertain significance (1 of 4 stars; one submission).

Conditions:
Ataxia-telangiectasia syndrome (AT). Also called: Ataxia telangiectasia (A-T); LOUIS-BAR SYNDROME; Cerebello-oculocutaneous telangiectasia; Immunodeficiency with ataxia telangiectasia; Ataxia-telangiectasia, complementation group D; AT, COMPLEMENTATION GROUP C. Identifiers: Orphanet 100, MedGen C0004135, MONDO:0008840, OMIM 208900.

Allele frequency attached by ClinVar (database versions not stated): gnomAD exomes below 0.00001.
gnomAD v4.1: 3 of 1,613,348 alleles (0.00019%); highest among the groups gnomAD compares: Non-Finnish European, 0.00025%; no homozygotes.

Submission:

Labcorp Genetics (formerly Invitae), Labcorp
Classification: Uncertain significance for Ataxia-telangiectasia syndrome. Last evaluated: 2022-09-02. Review status: criteria provided, single submitter. Criteria: Invitae Variant Classification Sherloc (09022015). Collection method: clinical testing. Allele origin: germline.
Comment: Algorithms developed to predict the effect of missense changes on protein structure and function output the following: SIFT: "Tolerated"; PolyPhen-2: "Benign"; Align-GVGD: "Class C0". The lysine amino acid residue is found in multiple mammalian species, which suggests that this missense change does not adversely affect protein function. This variant has not been reported in the literature in individuals affected with ATM-related conditions. This variant is not present in population databases (gnomAD no frequency). This sequence change replaces arginine, which is basic and polar, with lysine, which is basic and polar, at codon 2618 of the ATM protein (p.Arg2618Lys). In summary, the available evidence is currently insufficient to determine the role of this variant in disease. Therefore, it has been classified as a Variant of Uncertain Significance.

NM_000051.4(ATM):c.7853G>A (p.Arg2618Lys)

Genes: ATM (ATM serine/threonine kinase; plus strand), C11orf65 (chromosome 11 open reading frame 65; minus strand). Cytogenetic location: 11q22.3.
Variant type: single nucleotide variant.
Coding change: c.7853G>A on transcript NM_000051.4 (MANE Select); coding-DNA position 7853, G replaced by A.
Protein change: p.Arg2618Lys; replaces arginine 2618 with lysine.
Molecular consequence: missense variant. On other transcripts: intron variant (2).
Genome position (GRCh38, 1-based): chr11:108,332,826, G>A. VCF-style: chr11-108332826-G-A. GRCh37 (hg19) VCF-style: chr11-108203553-G-A.
Other names: c.7853G>A, p.Arg2618Lys (NM_001351834.2); c.641-23755C>T (NM_001330368.2); c.*38+2394C>T (NM_001351110.2); short protein forms R2618K.
Identifiers: ClinVar variation 1717992 (VCV001717992.6), dbSNP rs2136566506, ClinGen allele CA382561372.